The following is an entry in ClinVar:

ClinVar aggregate classification (germline): Pathogenic (1 of 4 stars; one submission).

Conditions:
Cohen syndrome (COH1). Also called: PEPPER SYNDROME; Cutis verticis gyrata, retinitis pigmentosa, and sensorineural deafness. Identifiers: Orphanet 193, MedGen C0265223, MONDO:0008999, OMIM 216550.

Submission:

Labcorp Genetics (formerly Invitae), Labcorp
Classification: Pathogenic for Cohen syndrome. Last evaluated: 2020-07-03. Review status: criteria provided, single submitter. Criteria: Invitae Variant Classification Sherloc (09022015). Collection method: clinical testing. Allele origin: germline.
Comment: This variant is not present in population databases (ExAC no frequency). This variant has not been reported in the literature in individuals with VPS13B-related conditions. Loss-of-function variants in VPS13B are known to be pathogenic (PMID: 15141358, 16648375, 20461111). For these reasons, this variant has been classified as Pathogenic. This sequence change creates a premature translational stop signal (p.Gln854*) in the VPS13B gene. It is expected to result in an absent or disrupted protein product.

Literature cited by the submitters: PubMed 15141358; PubMed 16648375; PubMed 20461111.

NM_152564.5(VPS13B):c.2560C>T (p.Gln854Ter)

Gene: VPS13B (vacuolar protein sorting 13 homolog B; plus strand). Cytogenetic location: 8q22.2.
Variant type: single nucleotide variant.
Coding change: c.2560C>T on transcript NM_152564.5 (MANE Select); coding-DNA position 2560, C replaced by T.
Protein change: p.Gln854Ter; replaces glutamine 854 with a stop codon.
Molecular consequence: nonsense.
Genome position (GRCh38, 1-based): chr8:99,274,242, C>T. VCF-style: chr8-99274242-C-T. GRCh37 (hg19) VCF-style: chr8-100286470-C-T.
Other names: c.2560C>T, p.Gln854Ter (NM_017890.5); short protein forms Q854*.
Identifiers: ClinVar variation 1071592 (VCV001071592.7), dbSNP rs2132994876, ClinGen allele CA371862181.